The following is an entry in ClinVar:

ClinVar aggregate classification (somatic clinical impact): Tier III - Unknown (0 of 4 stars; one submission).

Conditions:
Familial cancer of breast. Also called: BREAST CANCER, FAMILIAL; Hereditary breast cancer; hereditary breast carcinoma. Identifiers: Orphanet 227535, MedGen C0346153, MONDO:0016419, OMIM 114480. Disease mechanism: loss of function.

Submission:

Faculté Pluridciplinaire Nador, Université Mohamed Premier
Classification: Tier III - Unknown for Familial cancer of breast. Review status: no assertion criteria provided. Collection method: research. Allele origin: somatic. Affected: yes.
Comment: The following databases and algorithms are used to annotate and evaluate the impact of the variant in the context of human disease: 1000 genomes, gnomAD, ClinVar, OMIM, dbSNP, NCIB RefSeq Genes, ExAC Gene Constraints, VS-SIFT, VS-PolyPhen2, PhyloP, GERP++, GeneSplicer, MaxEntScan, NNSplice, PWM Splice Predictor.

NM_000059.4(BRCA2):c.5643dup (p.Ser1882fs)

Gene: BRCA2 (BRCA2 DNA repair associated; plus strand). Cytogenetic location: 13q13.1.
Variant type: Duplication.
Coding change: c.5643dup on transcript NM_000059.4 (MANE Select); coding-DNA position 5643, one base duplicated (A; older notation c.5643dupA).
Protein change: p.Ser1882fs; shifts the reading frame from serine 1882.
Molecular consequence: frameshift variant. On other transcripts: non-coding transcript variant (1), intron variant (2).
Genome position (GRCh38, 1-based): chr13:32,339,998, A duplicated; the last of 3 consecutive A bases (chr13:32,339,996-32,339,998); duplicating any one gives the same sequence. VCF-style (leftmost placement, unchanged base first): chr13-32339995-T-TA. GRCh37 (hg19) VCF-style: chr13-32914132-T-TA.
Other names: c.5643dup, p.Ser1882fs (NM_001406719.1, NM_001406720.1, NM_001432077.1); c.1910-4560dup (NM_001406721.1); c.425-4560dup (NM_001406722.1); c.5643dupA (NM_000059.4); short protein forms S1882fs.
Identifiers: ClinVar variation 4852575 (VCV004852575.1).